The following is an entry in ClinVar:

ClinVar aggregate classification (germline): Uncertain significance. Review status: criteria provided, multiple submitters, no conflicts (2 of 4 stars). 2 submissions from 2 submitters: Uncertain significance (2). Last evaluated 2023-09-30.

Conditions:
Epidermolysis bullosa simplex 5B, with muscular dystrophy (EBS5B). Also called: Epidermolysis bullosa simplex with muscular dystrophy; EPIDERMOLYSIS BULLOSA SIMPLEX AND LIMB-GIRDLE MUSCULAR DYSTROPHY. Identifiers: Orphanet 257, MedGen C2931072, MONDO:0009181, OMIM 226670.
Epidermolysis bullosa simplex, Ogna type (EBS5A). Also called: Pidermolysis bullosa simplex 5A, Ogna type; EPIDERMOLYSIS BULLOSA SIMPLEX 5A, OGNA TYPE. Identifiers: Orphanet 79401, MedGen C0432317, MONDO:0007555, OMIM 131950.
Epidermolysis bullosa simplex with nail dystrophy (EBS5D). Identifiers: MedGen C4225309, MONDO:0014661, OMIM 616487.
Epidermolysis bullosa simplex 5C, with pyloric atresia (EBS5C). Also called: Epidermolysis bullosa simplex with pyloric atresia; PLEC-Related Epidermolysis Bullosa with Pyloric Atresia; PLEC1-Related Epidermolysis Bullosa with Pyloric Atresia. Identifiers: Orphanet 158684, MedGen C2677349, MONDO:0012807, OMIM 612138.
Autosomal recessive limb-girdle muscular dystrophy type 2Q (LGMDR17). Also called: MUSCULAR DYSTROPHY, LIMB-GIRDLE, AUTOSOMAL RECESSIVE 17. Identifiers: Orphanet 254361, MedGen C3150989, MONDO:0013390, OMIM 613723.

Allele frequency attached by ClinVar (database versions not stated): gnomAD 0.00001; gnomAD exomes 0.00001 and 0.00002; TOPMed 0.00001; ExAC 0.00003.
gnomAD v4.1: 12 of 1,612,462 alleles (0.00074%); highest among the groups gnomAD compares: South Asian, 0.0055%; no homozygotes.

Submissions (2):

Labcorp Genetics (formerly Invitae), Labcorp
Classification: Uncertain significance for Autosomal recessive limb-girdle muscular dystrophy type 2Q; Epidermolysis bullosa simplex, Ogna type; Epidermolysis bullosa simplex with nail dystrophy; Epidermolysis bullosa simplex 5C, with pyloric atresia; Epidermolysis bullosa simplex 5B, with muscular dystrophy. Last evaluated: 2023-09-30. Review status: criteria provided, single submitter. Criteria: Invitae Variant Classification Sherloc (09022015). Collection method: clinical testing. Allele origin: germline.
Comment: This sequence change replaces glutamic acid, which is acidic and polar, with lysine, which is basic and polar, at codon 2779 of the PLEC protein (p.Glu2779Lys). This variant is present in population databases (rs782669949, gnomAD 0.01%). This variant has not been reported in the literature in individuals affected with PLEC-related conditions. ClinVar contains an entry for this variant (Variation ID: 1447222). An algorithm developed to predict the effect of missense changes on protein structure and function (PolyPhen-2) suggests that this variant is likely to be disruptive. In summary, the available evidence is currently insufficient to determine the role of this variant in disease. Therefore, it has been classified as a Variant of Uncertain Significance.

Revvity Omics, Revvity
Classification: Uncertain significance. Last evaluated: 2019-03-14. Review status: criteria provided, single submitter. Criteria: ACMG Guidelines, 2015. Collection method: clinical testing. Allele origin: germline.

NM_201384.3(PLEC):c.8254G>A (p.Glu2752Lys)

Gene: PLEC (plectin; minus strand). Cytogenetic location: 8q24.3.
Variant type: single nucleotide variant.
Coding change: c.8254G>A on transcript NM_201384.3 (MANE Select); coding-DNA position 8254, G replaced by A.
Protein change: p.Glu2752Lys; replaces glutamic acid 2752 with lysine.
Molecular consequence: missense variant.
Genome position (GRCh38, 1-based): chr8:143,921,567, C>T on the plus strand (G>A on the coding strand, the complement: PLEC is on the minus strand). VCF-style: chr8-143921567-C-T. GRCh37 (hg19) VCF-style: chr8-144995735-C-T.
Other names: c.8335G>A, p.Glu2779Lys (NM_000445.5); c.8212G>A, p.Glu2738Lys (NM_201378.4); c.8188G>A, p.Glu2730Lys (NM_201379.3); c.8665G>A, p.Glu2889Lys (NM_201380.4); c.8158G>A, p.Glu2720Lys (NM_201381.3); c.8254G>A, p.Glu2752Lys (NM_201382.4); c.8266G>A, p.Glu2756Lys (NM_201383.3); c.8335G>A (NM_000445.3); short protein forms E2730K, E2779K, E2720K, E2756K, E2738K, E2752K, E2889K.
Identifiers: ClinVar variation 1447222 (VCV001447222.10), dbSNP rs782669949, ClinGen allele CA4925378.
Genomic context (GRCh38, chr8:143,921,567, plus strand): 5'-GCTCGGCCGACAGCAGCTTGTGGTGCAGCTCGGGGCCCACCACACCCTCCTTCACAGCCT[C>T]GTTGACGGTCAGCCGCCGGTTCCGCACAGGGTCCAGCAGGAAGCCTGAGGCCGCCTGCGC-3'
Protein context (NP_958786.1, residues 2742-2762): PVRNRRLTVN[Glu2752Lys]AVKEGVVGPE